The following is an entry in ClinVar:

NM_002591.4(PCK1):c.709G>A (p.Gly237Arg)

Gene: PCK1 (phosphoenolpyruvate carboxykinase 1; plus strand). Cytogenetic location: 20q13.31.
Variant type: single nucleotide variant.
Coding change: c.709G>A on transcript NM_002591.4 (MANE Select); coding-DNA position 709, G replaced by A.
Protein change: p.Gly237Arg; replaces glycine 237 with arginine.
Molecular consequence: missense variant.
Genome position (GRCh38, 1-based): chr20:57,563,126, G>A. VCF-style: chr20-57563126-G-A. GRCh37 (hg19) VCF-style: chr20-56138182-G-A.
Other names: short protein forms G237R.
Identifiers: ClinVar variation 2498887 (VCV002498887.28), dbSNP rs775952976, ClinGen allele CA9922129.

ClinVar aggregate classification (germline): Uncertain significance (1 of 4 stars; one submission).

Allele frequency attached by ClinVar (database versions not stated): ExAC 0.00002; gnomAD 0.00002; gnomAD exomes 0.00002; TOPMed 0.00003.
gnomAD v4.1: 32 of 1,613,836 alleles (0.002%); highest among the groups gnomAD compares: Non-Finnish European, 0.0025%; no homozygotes.

Submission:

CeGaT Center for Human Genetics Tuebingen
Classification: Uncertain significance. Last evaluated: 2023-01-01. Review status: criteria provided, single submitter. Criteria: CeGaT Center For Human Genetics Tuebingen Variant Classification Criteria Version 2. Collection method: clinical testing. Allele origin: germline. Affected: yes. Observed: 1 variant allele.
Comment: PCK1: PM2, PM3:Supporting, PP4